The following is an entry in ClinVar:

ClinVar aggregate classification (germline): Uncertain significance (1 of 4 stars; one submission).

Conditions:
Emery-Dreifuss muscular dystrophy (EDMD). Also called: Scapuloperoneal syndrome, X-linked (formerly); Humeroperoneal neuromuscular disease, (formerly). Identifiers: Orphanet 261, MedGen C0410189, MONDO:0016830.

gnomAD v4.1: 41 of 1,614,044 alleles (0.0025%); highest among the groups gnomAD compares: Non-Finnish European, 0.0034%; no homozygotes.

Submission:

Labcorp Genetics (formerly Invitae), Labcorp
Classification: Uncertain significance for Emery-Dreifuss muscular dystrophy. Last evaluated: 2025-02-26. Review status: criteria provided, single submitter. Criteria: Invitae Variant Classification Sherloc (09022015). Collection method: clinical testing. Allele origin: germline.
Comment: This sequence change replaces isoleucine, which is neutral and non-polar, with valine, which is neutral and non-polar, at codon 598 of the SUN1 protein (p.Ile598Val). This variant is present in population databases (rs747232502, gnomAD 0.003%). This variant has not been reported in the literature in individuals affected with SUN1-related conditions. An algorithm developed to predict the effect of missense changes on protein structure and function (PolyPhen-2) suggests that this variant is likely to be tolerated. In summary, the available evidence is currently insufficient to determine the role of this variant in disease. Therefore, it has been classified as a Variant of Uncertain Significance.

NM_001130965.3(SUN1):c.1792A>G (p.Ile598Val)

Gene: SUN1 (Sad1 and UNC84 domain containing 1; plus strand). Cytogenetic location: 7p22.3.
Variant type: single nucleotide variant.
Coding change: c.1792A>G on transcript NM_001130965.3 (MANE Select); coding-DNA position 1792, A replaced by G.
Protein change: p.Ile598Val; replaces isoleucine 598 with valine.
Molecular consequence: missense variant. On other transcripts: non-coding transcript variant (3).
Genome position (GRCh38, 1-based): chr7:861,392, A>G. VCF-style: chr7-861392-A-G. GRCh37 (hg19) VCF-style: chr7-901029-A-G.
Other names: c.1789A>G, p.Ile597Val (NM_001367665.1, NM_001367694.1); c.2035A>G, p.Ile679Val (NM_001367666.1); c.1753A>G, p.Ile585Val (NM_001367667.1, NM_001367689.1); c.1834A>G, p.Ile612Val (NM_001367668.1, NM_001367647.1); c.1819A>G, p.Ile607Val (NM_001367669.1); c.1642A>G, p.Ile548Val (NM_001367670.1); c.1639A>G, p.Ile547Val (NM_001367671.1, NM_001367662.1); c.1759A>G, p.Ile587Val (NM_001367672.1); and 43 more; short protein forms I360V, I409V, I445V, I481V, I495V, I515V, I537V, I542V.
Identifiers: ClinVar variation 4805181 (VCV004805181.1).
Genomic context (GRCh38, chr7:861,392, plus strand): 5'-TCCTCTCCTGTTCTGGTGTTTGGTCTTCCGTCCCTCGTGTCTGTCCAGCAAGCACGTGCC[A>G]TCGTGAACAGCGCCTTGAAGCTGTATTCCCAAGATAAGACCGGGATGGTGGACTTTGCTC-3'
Protein context (NP_001124437.1, residues 588-608): SGITEAQARA[Ile598Val]VNSALKLYSQ